The following is an entry in ClinVar:

NM_017780.4(CHD7):c.3719A>C (p.Asn1240Thr)

Gene: CHD7 (chromodomain helicase DNA binding protein 7; plus strand). Cytogenetic location: 8q12.2.
Variant type: single nucleotide variant.
Coding change: c.3719A>C on transcript NM_017780.4 (MANE Select); coding-DNA position 3719, A replaced by C.
Protein change: p.Asn1240Thr; replaces asparagine 1240 with threonine.
Molecular consequence: missense variant. On other transcripts: intron variant (1).
Genome position (GRCh38, 1-based): chr8:60,830,518, A>C. VCF-style: chr8-60830518-A-C. GRCh37 (hg19) VCF-style: chr8-61743077-A-C.
Other names: c.1717-31711A>C (NM_001316690.1); short protein forms N1240T.
Identifiers: ClinVar variation 2199976 (VCV002199976.4), dbSNP rs2487854679, ClinGen allele CA371315633.

ClinVar aggregate classification (germline): Uncertain significance (1 of 4 stars; one submission).

Conditions:
CHARGE syndrome (CHARGE). Also called: Hittner Hirsch Kreh syndrome; CHARGE ASSOCIATION--COLOBOMA, HEART ANOMALY, CHOANAL ATRESIA, RETARDATION, GENITAL AND EAR ANOMALIES; Coloboma, heart anomaly, choanal atresia, retardation, genital and ear anomalies; CHARGE association; Hall-Hittner syndrome. Identifiers: Orphanet 138, MedGen C0265354, MONDO:0008965.

Submission:

Labcorp Genetics (formerly Invitae), Labcorp
Classification: Uncertain significance for CHARGE syndrome. Last evaluated: 2022-03-29. Review status: criteria provided, single submitter. Criteria: Invitae Variant Classification Sherloc (09022015). Collection method: clinical testing. Allele origin: germline.
Comment: Advanced modeling of protein sequence and biophysical properties (such as structural, functional, and spatial information, amino acid conservation, physicochemical variation, residue mobility, and thermodynamic stability) performed at Invitae indicates that this missense variant is expected to disrupt CHD7 protein function. In summary, the available evidence is currently insufficient to determine the role of this variant in disease. Therefore, it has been classified as a Variant of Uncertain Significance. This variant has not been reported in the literature in individuals affected with CHD7-related conditions. This variant is not present in population databases (gnomAD no frequency). This sequence change replaces asparagine, which is neutral and polar, with threonine, which is neutral and polar, at codon 1240 of the CHD7 protein (p.Asn1240Thr).